The following is an entry in ClinVar:

NM_001170629.2(CHD8):c.4817+2T>A

Gene: CHD8 (chromodomain helicase DNA binding protein 8; minus strand). Cytogenetic location: 14q11.2.
Variant type: single nucleotide variant.
Coding change: c.4817+2T>A on transcript NM_001170629.2 (MANE Select); the canonical splice donor site of the intron after coding-DNA position 4817, T replaced by A.
Molecular consequence: splice donor variant.
Genome position (GRCh38, 1-based): chr14:21,399,979, A>T on the plus strand (T>A on the coding strand, the complement: CHD8 is on the minus strand). VCF-style: chr14-21399979-A-T. GRCh37 (hg19) VCF-style: chr14-21868138-A-T.
Other names: c.3980+2T>A (NM_020920.4).
Identifiers: ClinVar variation 504331 (VCV000504331.2), dbSNP rs1555314174, ClinGen allele CA388889562.

ClinVar aggregate classification (germline): Likely pathogenic (1 of 4 stars; one submission).

Submission:

GeneDx
Classification: Likely pathogenic. Last evaluated: 2018-02-22. Review status: criteria provided, single submitter. Criteria: GeneDx Variant Classification (06012015). Collection method: clinical testing. Allele origin: germline. Affected: yes.
Comment: The c.4817+2T>A variant in the CHD8 gene has not been reported previously as a pathogenic variant nor as a benign variant, to our knowledge. This splice site variant destroys the canonical splice donor site in intron 24. It is predicted to cause abnormal gene splicing, either leading to an abnormal message that is subject to nonsense-mediated mRNA decay, or to an abnormal protein product if the message is used for protein translation. The c.4817+2T>A variant is not observed in large population cohorts (Lek et al., 2016). We interpret c.4817+2T>A as a likely pathogenic variant.